The following is an entry in ClinVar:

NM_001035.3(RYR2):c.3361G>A (p.Gly1121Ser)

Gene: RYR2 (ryanodine receptor 2; plus strand). Cytogenetic location: 1q43.
Variant type: single nucleotide variant.
Coding change: c.3361G>A on transcript NM_001035.3 (MANE Select); coding-DNA position 3361, G replaced by A.
Protein change: p.Gly1121Ser; replaces glycine 1121 with serine.
Molecular consequence: missense variant.
Genome position (GRCh38, 1-based): chr1:237,566,713, G>A. VCF-style: chr1-237566713-G-A. GRCh37 (hg19) VCF-style: chr1-237730013-G-A.
Other names: short protein forms G1121S.
Identifiers: ClinVar variation 1730620 (VCV001730620.5), dbSNP rs199682282, ClinGen allele CA086356.

ClinVar aggregate classification (germline): Conflicting classifications of pathogenicity. Review status: criteria provided, conflicting classifications (1 of 4 stars). 2 submissions from 2 submitters: Uncertain significance (1); Likely benign (1). Last evaluated 2023-09-17.

Conditions:
Cardiovascular phenotype. Identifiers: MedGen CN230736.
Catecholaminergic polymorphic ventricular tachycardia 1. Also called: VENTRICULAR TACHYCARDIA, CATECHOLAMINERGIC POLYMORPHIC, 1, WITH OR WITHOUT ATRIAL DYSFUNCTION AND/OR DILATED CARDIOMYOPATHY; VENTRICULAR TACHYCARDIA, STRESS-INDUCED POLYMORPHIC 1; RYR2-Related Catecholaminergic Polymorphic Ventricular Tachycardia. Identifiers: Orphanet 3286, MedGen C1631597, MONDO:0011484, OMIM 604772.

gnomAD v4.1: 3 of 1,613,824 alleles (0.00019%); highest among the groups gnomAD compares: South Asian, 0.0022%; no homozygotes.

Submissions (2):

Labcorp Genetics (formerly Invitae), Labcorp
Classification: Likely benign for Catecholaminergic polymorphic ventricular tachycardia 1. Last evaluated: 2023-09-17. Review status: criteria provided, single submitter. Criteria: Invitae Variant Classification Sherloc (09022015). Collection method: clinical testing. Allele origin: germline.

Ambry Genetics
Classification: Uncertain significance for Cardiovascular phenotype. Last evaluated: 2018-11-30. Review status: criteria provided, single submitter. Criteria: Ambry Variant Classification Scheme 2023. Collection method: clinical testing. Allele origin: germline.
Comment: The p.G1121S variant (also known as c.3361G>A), located in coding exon 28 of the RYR2 gene, results from a G to A substitution at nucleotide position 3361. The glycine at codon 1121 is replaced by serine, an amino acid with similar properties. This amino acid position is well conserved in available vertebrate species. In addition, the in silico prediction for this alteration is inconclusive. Since supporting evidence is limited at this time, the clinical significance of this alteration remains unclear.